The following is an entry in ClinVar:

NM_053274.3(GLMN):c.806G>A (p.Trp269Ter)

Gene: GLMN (glomulin, FKBP associated protein; minus strand). Cytogenetic location: 1p22.1.
Variant type: single nucleotide variant.
Coding change: c.806G>A on transcript NM_053274.3 (MANE Select); coding-DNA position 806, G replaced by A.
Protein change: p.Trp269Ter; replaces tryptophan 269 with a stop codon.
Molecular consequence: nonsense. On other transcripts: non-coding transcript variant (1).
Genome position (GRCh38, 1-based): chr1:92,271,582, C>T on the plus strand (G>A on the coding strand, the complement: GLMN is on the minus strand). VCF-style: chr1-92271582-C-T. GRCh37 (hg19) VCF-style: chr1-92737139-C-T.
Other names: c.806G>A, p.Trp269Ter (NM_001319683.2); short protein forms W269*.
Identifiers: ClinVar variation 4881889 (VCV004881889.2).

ClinVar aggregate classification (germline): Likely pathogenic (1 of 4 stars; one submission).

Conditions:
Glomuvenous malformation. Also called: GLOMANGIOMAS, MULTIPLE; GLOMUS TUMORS, MULTIPLE; VENOUS MALFORMATIONS WITH GLOMUS CELLS; Familial glomangioma. Identifiers: Orphanet 83454, MedGen C1841984, MONDO:0007672, OMIM 138000.

Submission:

Dasa
Classification: Likely pathogenic for Glomuvenous malformation. Last evaluated: 2025-08-11. Review status: criteria provided, single submitter. Criteria: DASA Assertion Criteria. Collection method: clinical testing. Allele origin: germline.
Comment: NM_053274.3(GLMN):c.806G>A (p.Trp269*) is a nonsense variant in GLMN predicted to introduce a premature termination codon and is predicted to result in an absent or altered protein product. Loss of function is an established disease mechanism for GLMN (PMID: 11845407; PMID: 15689436; PMID: 22092580). Also, this variant is absent from population databases. Based on the currently available evidence, this variant is classified as likely pathogenic.

Literature cited by the submitters: PubMed 11845407; PubMed 15689436; PubMed 22092580.